The following is an entry in ClinVar:

NM_144508.5(KNL1):c.693T>C (p.Pro231=)

Gene: KNL1 (kinetochore scaffold 1; plus strand). Cytogenetic location: 15q15.1.
Variant type: single nucleotide variant.
Coding change: c.693T>C on transcript NM_144508.5 (MANE Select); coding-DNA position 693, T replaced by C.
Protein change: p.Pro231=; no amino-acid change (proline 231 retained).
Molecular consequence: synonymous variant.
Genome position (GRCh38, 1-based): chr15:40,620,957, T>C. VCF-style: chr15-40620957-T-C. GRCh37 (hg19) VCF-style: chr15-40913155-T-C.
Other names: c.771T>C, p.Pro257= (NM_170589.5).
Identifiers: ClinVar variation 2645175 (VCV002645175.24), dbSNP rs2543180549, ClinGen allele CA489976555.
Genomic context (GRCh38, chr15:40,620,957, plus strand): 5'-TAAAATAGATTTCAATGACTTCATAAAAAGATTGAAAACAGGAAAATGTAGTGCTTTTCC[T>C]GATGTGCCTGATAAAGAAAATTTTGAGATACCTATTTATTCCAAGGAACCGAACAGTGCC-3'
Protein context (NP_653091.3, residues 221-241): RLKTGKCSAF[Pro231=]DVPDKENFEI

ClinVar aggregate classification (germline): Likely benign (1 of 4 stars; one submission).

gnomAD v4.1: 1 of 1,606,042 alleles (0.000062%); no homozygotes.

Submission:

CeGaT Center for Human Genetics Tuebingen
Classification: Likely benign. Last evaluated: 2023-04-01. Review status: criteria provided, single submitter. Criteria: CeGaT Center For Human Genetics Tuebingen Variant Classification Criteria Version 2. Collection method: clinical testing. Allele origin: germline. Affected: yes. Observed: 1 variant allele.
Comment: KNL1: PM2:Supporting, BP4, BP7